The following is an entry in ClinVar:

NM_000179.3(MSH6):c.3417C>T (p.Gly1139=)

Gene: MSH6 (mutS homolog 6; plus strand). Cytogenetic location: 2p16.3.
Variant type: single nucleotide variant.
Coding change: c.3417C>T on transcript NM_000179.3 (MANE Select); coding-DNA position 3417, C replaced by T.
Protein change: p.Gly1139=; no amino-acid change (glycine 1139 retained).
Molecular consequence: synonymous variant.
Genome position (GRCh38, 1-based): chr2:47,803,664, C>T. VCF-style: chr2-47803664-C-T. GRCh37 (hg19) VCF-style: chr2-48030803-C-T.
Other names: c.3027C>T, p.Gly1009= (NM_001281492.2); c.2511C>T, p.Gly837= (NM_001281493.2, NM_001281494.2).
Identifiers: ClinVar variation 233242 (VCV000233242.16), dbSNP rs876660283, ClinGen allele CA10578141.

ClinVar aggregate classification (germline): Pathogenic/Likely pathogenic. Review status: criteria provided, multiple submitters, no conflicts (2 of 4 stars). 5 submissions from 5 submitters: Pathogenic (2); Likely pathogenic (3). Last evaluated 2026-01-19.

Conditions:
Hereditary nonpolyposis colorectal neoplasms. Identifiers: MedGen C0009405, MeSH D003123.
Mismatch repair cancer syndrome 3. Identifiers: MedGen C5436807, MONDO:0030841, OMIM 619097.
Endometrial carcinoma. Also called: Endometrial carcinoma, somatic. Identifiers: MedGen C0476089, MONDO:0002447, OMIM 608089, HP:0012114.
Lynch syndrome 5 (LYNCH5). Also called: Colorectal cancer, hereditary nonpolyposis, type 5; Hereditary non-polyposis colorectal cancer, type 5. Identifiers: Orphanet 144, MedGen C1833477, MONDO:0013710, OMIM 614350. Disease mechanism: loss of function.
Hereditary cancer-predisposing syndrome. Also called: Neoplastic Syndromes, Hereditary; Tumor predisposition; Hereditary Cancer Syndrome; Hereditary neoplastic syndrome. Identifiers: Orphanet 140162, MedGen C0027672, MeSH D009386, MONDO:0015356.

Allele frequency attached by ClinVar (database versions not stated): gnomAD exomes below 0.00001.

Submissions (5):

Labcorp Genetics (formerly Invitae), Labcorp
Classification: Pathogenic for Hereditary nonpolyposis colorectal neoplasms. Last evaluated: 2026-01-19. Review status: criteria provided, single submitter. Criteria: Invitae Variant Classification Sherloc (09022015). Collection method: clinical testing. Allele origin: germline.
Comment: This sequence change affects codon 1139 of the MSH6 mRNA. It is a 'silent' change, meaning that it does not change the encoded amino acid sequence of the MSH6 protein. RNA analysis indicates that this variant induces altered splicing and may result in an absent or altered protein product. This variant is present in population databases (no rsID available, gnomAD 0.0009%). This variant has been observed in individual(s) with MSH6-related conditions (PMID: 31642931, 38311346). ClinVar contains an entry for this variant (Variation ID: 233242). Studies have shown that this variant results in activation of a cryptic splice site, and produces a non-functional protein and/or introduces a premature termination codon (PMID: 31642931, 38311346; internal data). For these reasons, this variant has been classified as Pathogenic.

St. Jude Molecular Pathology, St. Jude Children's Research Hospital
Classification: Likely pathogenic for Lynch syndrome 5. Last evaluated: 2024-07-25. Review status: criteria provided, single submitter. Criteria: St. Jude Assertion Criteria 2020. Collection method: clinical testing. Allele origin: germline.
Comment: The MSH6 c.3417C>T (p.Gly1139=) synonymous change has a maximum subpopulation frequency of 0.0009% in gnomAD v2.1.1. Algorithms that predict the impact of sequence changes on splicing predict that this change results in the strengthening or creation of an alternate donor site and may result in the loss of the native donor site. RNA studies supports that this variant results in abnormal splicing (PMID: 31642931, 34445333, internal data). This variant has been reported in an individual with MSI-H colorectal cancer and an individual with endometrial cancer (PMID: 34445333, 37088804). In summary this variant meets criteria to be classified as likely pathogenic.

Department of Pathology and Laboratory Medicine, Sinai Health System
Classification: Likely pathogenic for Endometrial carcinoma; Lynch syndrome 5; Mismatch repair cancer syndrome 3. Last evaluated: 2024-05-17. Review status: criteria provided, single submitter. Criteria: ACMG Guidelines, 2015. Collection method: clinical testing. Allele origin: germline. Affected: no.

Myriad Genetics, Inc.
Classification: Likely pathogenic for Lynch syndrome 5. Last evaluated: 2023-08-23. Review status: criteria provided, single submitter. Criteria: Myriad Autosomal Dominant, Autosomal Recessive and X-Linked Classification Criteria (2023). Collection method: clinical testing. Allele origin: unknown.
Comment: This variant is considered likely pathogenic. mRNA analysis has demonstrated abnormal mRNA splicing occurs [Myriad internal data].

Ambry Genetics
Classification: Pathogenic for Hereditary cancer-predisposing syndrome. Last evaluated: 2022-01-05. Review status: criteria provided, single submitter. Criteria: Ambry Variant Classification Scheme 2023. Collection method: clinical testing. Allele origin: germline.
Comment: The c.3417C>T pathogenic mutation (also known as p.G1139G), located in coding exon 5, results from a C to T substitution at nucleotide position 3417 of the MSH6 gene. This nucleotide substitution does not change the amino acid at codon 1139. This nucleotide position is not well conserved in available vertebrate species. In silico splice site analysis predicts that this alteration will weaken the native splice donor site and will result in the creation or strengthening of a novel splice donor site. RNA studies have demonstrated this alteration results in abnormal splicing in the set of samples tested (Ambry internal data; Karam R et al. JAMA Netw Open, 2019 10;2:e1913900). Based on the supporting evidence, this alteration is interpreted as a disease-causing mutation.

Literature cited by the submitters: PubMed 31642931 (cited by 3 submitters); PubMed 38311346 (cited by Labcorp Genetics (formerly Invitae), Labcorp).